The following is an entry in ClinVar:

NM_001378030.1(CCDC78):c.29G>A (p.Arg10Lys)

Gene: CCDC78 (coiled-coil domain containing 78; minus strand). Cytogenetic location: 16p13.3.
Variant type: single nucleotide variant.
Coding change: c.29G>A on transcript NM_001378030.1 (MANE Select); coding-DNA position 29, G replaced by A.
Protein change: p.Arg10Lys; replaces arginine 10 with lysine.
Molecular consequence: missense variant. On other transcripts: non-coding transcript variant (3), intron variant (1).
Genome position (GRCh38, 1-based): chr16:726,339, C>T on the plus strand (G>A on the coding strand, the complement: CCDC78 is on the minus strand). VCF-style: chr16-726339-C-T. GRCh37 (hg19) VCF-style: chr16-776339-C-T.
Other names: c.29G>A, p.Arg10Lys (NM_001031737.3, NM_001378031.1); c.-225-254G>A (NM_001378033.1); short protein forms R10K.
Identifiers: ClinVar variation 1382608 (VCV001382608.8), dbSNP rs893873268, ClinGen allele CA276521201.

ClinVar aggregate classification (germline): Uncertain significance (1 of 4 stars; one submission).

Conditions:
Congenital myopathy with internal nuclei and atypical cores. Also called: Myopathy, centronuclear, 4. Identifiers: Orphanet 319160, MedGen C4707232, MONDO:0013890, OMIM 614807.

Allele frequency attached by ClinVar (database versions not stated): gnomAD exomes 0.00001; gnomAD 0.00002 and 0.00003; TOPMed 0.00002.
gnomAD v4.1: 13 of 1,545,636 alleles (0.00084%); highest among the groups gnomAD compares: South Asian, 0.0083%; no homozygotes.

Submission:

Labcorp Genetics (formerly Invitae), Labcorp
Classification: Uncertain significance for Congenital myopathy with internal nuclei and atypical cores. Last evaluated: 2022-02-08. Review status: criteria provided, single submitter. Criteria: Invitae Variant Classification Sherloc (09022015). Collection method: clinical testing. Allele origin: germline.
Comment: In summary, the available evidence is currently insufficient to determine the role of this variant in disease. Therefore, it has been classified as a Variant of Uncertain Significance. Algorithms developed to predict the effect of missense changes on protein structure and function output the following: SIFT: "Tolerated"; PolyPhen-2: "Benign"; Align-GVGD: "Class C0". The lysine amino acid residue is found in multiple mammalian species, which suggests that this missense change does not adversely affect protein function. This variant has not been reported in the literature in individuals affected with CCDC78-related conditions. This variant is present in population databases (no rsID available, gnomAD 0.01%). This sequence change replaces arginine, which is basic and polar, with lysine, which is basic and polar, at codon 10 of the CCDC78 protein (p.Arg10Lys).